The following is an entry in ClinVar:

ClinVar aggregate classification (germline): Conflicting classifications of pathogenicity. Review status: criteria provided, conflicting classifications (1 of 4 stars). 2 submissions from 2 submitters: Uncertain significance (1); Likely benign (1). Last evaluated 2025-09-25.

Conditions:
Long QT syndrome (LQTS). Identifiers: MedGen C0023976, MeSH D008133, MONDO:0002442. Disease mechanism: loss of function. Inheritance: Various modes of inheritance.
Cardiovascular phenotype. Identifiers: MedGen CN230736.

Allele frequency attached by ClinVar (database versions not stated): ExAC 0.00007.
gnomAD v4.1: 28 of 1,613,908 alleles (0.0017%); highest among the groups gnomAD compares: Middle Eastern, 0.016%; no homozygotes.

Submissions (2):

Labcorp Genetics (formerly Invitae), Labcorp
Classification: Uncertain significance for Long QT syndrome. Last evaluated: 2025-09-25. Review status: criteria provided, single submitter. Criteria: Invitae Variant Classification Sherloc (09022015). Collection method: clinical testing. Allele origin: germline.
Comment: This sequence change replaces arginine, which is basic and polar, with serine, which is neutral and polar, at codon 3263 of the ANK2 protein (p.Arg3263Ser). This variant is present in population databases (rs765175059, gnomAD 0.009%). This variant has not been reported in the literature in individuals affected with ANK2-related conditions. ClinVar contains an entry for this variant (Variation ID: 2731568). An algorithm developed to predict the effect of missense changes on protein structure and function (PolyPhen-2) suggests that this variant is likely to be disruptive. In summary, the available evidence is currently insufficient to determine the role of this variant in disease. Therefore, it has been classified as a Variant of Uncertain Significance.

Ambry Genetics
Classification: Likely benign for Cardiovascular phenotype. Last evaluated: 2025-08-30. Review status: criteria provided, single submitter. Criteria: Ambry Variant Classification Scheme 2023. Collection method: clinical testing. Allele origin: germline.

NM_001148.6(ANK2):c.9789G>T (p.Arg3263Ser)

Gene: ANK2 (ankyrin 2; plus strand). Cytogenetic location: 4q26.
Variant type: single nucleotide variant.
Coding change: c.9789G>T on transcript NM_001148.6 (MANE Select); coding-DNA position 9789, G replaced by T.
Protein change: p.Arg3263Ser; replaces arginine 3263 with serine.
Molecular consequence: missense variant. On other transcripts: intron variant (68).
Genome position (GRCh38, 1-based): chr4:113,358,407, G>T. VCF-style: chr4-113358407-G-T. GRCh37 (hg19) VCF-style: chr4-114279563-G-T.
Other names: c.9555G>T, p.Arg3185Ser (NM_001386142.1); c.6189G>T, p.Arg2063Ser (NM_001386166.1); c.9930G>T, p.Arg3310Ser (NM_001386174.1); c.9906G>T, p.Arg3302Ser (NM_001386175.1); c.4412-2416G>T (NM_001386186.2, NM_001386148.2); c.4214-2416G>T (NM_001354269.3); c.4292-2416G>T (NM_001386187.2); c.4253-2416G>T (NM_001386147.1); and 35 more; short protein forms R3263S, R2063S, R3185S, R3302S, R3310S.
Identifiers: ClinVar variation 2731568 (VCV002731568.4), dbSNP rs765175059, ClinGen allele CA3051981.